The following is an entry in ClinVar:

NM_001242896.3(DEPDC5):c.508A>G (p.Met170Val)

Gene: DEPDC5 (DEP domain containing 5, GATOR1 subcomplex subunit; plus strand). Cytogenetic location: 22q12.2.
Variant type: single nucleotide variant.
Coding change: c.508A>G on transcript NM_001242896.3 (MANE Select); coding-DNA position 508, A replaced by G.
Protein change: p.Met170Val; replaces methionine 170 with valine.
Molecular consequence: missense variant. On other transcripts: non-coding transcript variant (5).
Genome position (GRCh38, 1-based): chr22:31,783,931, A>G. VCF-style: chr22-31783931-A-G. GRCh37 (hg19) VCF-style: chr22-32179917-A-G.
Other names: c.508A>G, p.Met170Val (NM_001007188.4, NM_001136029.4, NM_001242897.2 and 7 more transcripts); c.424A>G, p.Met142Val (NM_001369901.1, NM_001369902.1); short protein forms M142V, M170V.
Identifiers: ClinVar variation 1712909 (VCV001712909.2), dbSNP rs2518363994, ClinGen allele CA411285600.

ClinVar aggregate classification (germline): Uncertain significance (1 of 4 stars; one submission).

Allele frequency attached by ClinVar (database versions not stated): gnomAD exomes below 0.00001.

Submission:

GeneDx
Classification: Uncertain significance. Last evaluated: 2022-04-25. Review status: criteria provided, single submitter. Criteria: GeneDx Variant Classification Process June 2021. Collection method: clinical testing. Allele origin: germline. Affected: yes.
Comment: Not observed at significant frequency in large population cohorts (gnomAD); In silico analysis supports that this missense variant has a deleterious effect on protein structure/function; Has not been previously published as pathogenic or benign to our knowledge